The following is an entry in ClinVar:

ClinVar aggregate classification (germline): Uncertain significance. Review status: criteria provided, multiple submitters, no conflicts (2 of 4 stars). 2 submissions from 2 submitters: Uncertain significance (2). Last evaluated 2024-12-20.

Conditions:
Inborn genetic diseases. Identifiers: MedGen C0950123, MeSH D030342.

Allele frequency attached by ClinVar (database versions not stated): ExAC 0.00001; gnomAD exomes 0.00001; TOPMed 0.00001; gnomAD 0.00002; 1000 Genomes Project 30x 0.00016; 1000 Genomes Project 0.00020.
gnomAD v4.1: 16 of 1,614,200 alleles (0.00099%); highest among the groups gnomAD compares: East Asian, 0.0067%; no homozygotes.

Submissions (2):

Ambry Genetics
Classification: Uncertain significance for Inborn genetic diseases. Last evaluated: 2024-12-20. Review status: criteria provided, single submitter. Criteria: Ambry Variant Classification Scheme 2023. Collection method: clinical testing. Allele origin: germline.
Comment: The p.R122Q variant (also known as c.365G>A), located in coding exon 3 of the PAX5 gene, results from a G to A substitution at nucleotide position 365. The arginine at codon 122 is replaced by glutamine, an amino acid with highly similar properties. This amino acid position is conserved. In addition, the in silico prediction for this alteration is inconclusive. Based on the available evidence, the clinical significance of this variant remains unclear.

Labcorp Genetics (formerly Invitae), Labcorp
Classification: Uncertain significance. Last evaluated: 2023-06-16. Review status: criteria provided, single submitter. Criteria: Invitae Variant Classification Sherloc (09022015). Collection method: clinical testing. Allele origin: germline.
Comment: This sequence change replaces arginine, which is basic and polar, with glutamine, which is neutral and polar, at codon 122 of the PAX5 protein (p.Arg122Gln). Algorithms developed to predict the effect of sequence changes on RNA splicing suggest that this variant may create or strengthen a splice site. In summary, the available evidence is currently insufficient to determine the role of this variant in disease. Therefore, it has been classified as a Variant of Uncertain Significance. Advanced modeling of protein sequence and biophysical properties (such as structural, functional, and spatial information, amino acid conservation, physicochemical variation, residue mobility, and thermodynamic stability) performed at Invitae indicates that this missense variant is not expected to disrupt PAX5 protein function. This variant has not been reported in the literature in individuals affected with PAX5-related conditions. This variant is present in population databases (rs185643174, gnomAD 0.007%).

NM_016734.3(PAX5):c.365G>A (p.Arg122Gln)

Gene: PAX5 (paired box 5; minus strand). Cytogenetic location: 9p13.2.
Variant type: single nucleotide variant.
Coding change: c.365G>A on transcript NM_016734.3 (MANE Select); coding-DNA position 365, G replaced by A.
Protein change: p.Arg122Gln; replaces arginine 122 with glutamine.
Molecular consequence: missense variant. On other transcripts: non-coding transcript variant (2), intron variant (1).
Genome position (GRCh38, 1-based): chr9:37,015,042, C>T on the plus strand (G>A on the coding strand, the complement: PAX5 is on the minus strand). VCF-style: chr9-37015042-C-T. GRCh37 (hg19) VCF-style: chr9-37015039-C-T.
Other names: c.365G>A (NM_016734.1); c.212+5594G>A (NM_001280555.2); c.365G>A, p.Arg122Gln (NM_001280547.2, NM_001280548.2, NM_001280549.2 and 4 more transcripts); c.41G>A, p.Arg14Gln (NM_001280551.2, NM_001280556.2); short protein forms R122Q, R14Q.
Identifiers: ClinVar variation 2867806 (VCV002867806.4), dbSNP rs185643174, ClinGen allele CA5058336.